The following is an entry in ClinVar:

ClinVar aggregate classification (germline): Uncertain significance (1 of 4 stars; one submission).

Conditions:
Brugada syndrome. Also called: Sudden unexplained nocturnal death syndrome; Sudden Unexplained Death Syndrome; Sudden Unexplained Nocturnal Death Syndrome (SUNDS); Sudden unexpected nocturnal death syndrome. Identifiers: Orphanet 130, MedGen C1142166, MONDO:0015263.

Allele frequency attached by ClinVar (database versions not stated): gnomAD exomes below 0.00001.

Submission:

Labcorp Genetics (formerly Invitae), Labcorp
Classification: Uncertain significance for Brugada syndrome. Last evaluated: 2024-10-17. Review status: criteria provided, single submitter. Criteria: Invitae Variant Classification Sherloc (09022015). Collection method: clinical testing. Allele origin: germline.
Comment: This sequence change replaces tyrosine, which is neutral and polar, with cysteine, which is neutral and slightly polar, at codon 60 of the KCNE5 protein (p.Tyr60Cys). This variant is not present in population databases (gnomAD no frequency). This variant has not been reported in the literature in individuals affected with KCNE5-related conditions. ClinVar contains an entry for this variant (Variation ID: 1418161). An algorithm developed to predict the effect of missense changes on protein structure and function (PolyPhen-2) suggests that this variant is likely to be disruptive. In summary, the available evidence is currently insufficient to determine the role of this variant in disease. Therefore, it has been classified as a Variant of Uncertain Significance.

NM_012282.4(KCNE5):c.179A>G (p.Tyr60Cys)

Gene: KCNE5 (potassium voltage-gated channel subfamily E regulatory subunit 5; minus strand). Cytogenetic location: Xq23.
Variant type: single nucleotide variant.
Coding change: c.179A>G on transcript NM_012282.4 (MANE Select); coding-DNA position 179, A replaced by G.
Protein change: p.Tyr60Cys; replaces tyrosine 60 with cysteine.
Molecular consequence: missense variant.
Genome position (GRCh38, 1-based): chrX:109,624,842, T>C on the plus strand (A>G on the coding strand, the complement: KCNE5 is on the minus strand). VCF-style: chrX-109624842-T-C. GRCh37 (hg19) VCF-style: chrX-108868071-T-C.
Other names: short protein forms Y60C.
Identifiers: ClinVar variation 1418161 (VCV001418161.8), dbSNP rs1934266717, ClinGen allele CA414213806.